The following is an entry in ClinVar:

NM_007078.3(LDB3):c.690-4571A>C

Genes: LDB3 (LIM domain binding 3; plus strand), LOC110121486 (VISTA enhancer hs2143; plus strand). Cytogenetic location: 10q23.2.
Variant type: single nucleotide variant.
Coding change: c.690-4571A>C on transcript NM_007078.3 (MANE Select); 4571 bases into the intron before coding-DNA position 690, A replaced by C.
Molecular consequence: intron variant.
Genome position (GRCh38, 1-based): chr10:86,687,325, A>C. VCF-style: chr10-86687325-A-C. GRCh37 (hg19) VCF-style: chr10-88447082-A-C.
Other names: c.690-4571A>C (NM_001368064.1, NM_001368063.1, NM_001368065.1 and 1 more transcripts); c.548+53A>C (NM_001368068.1, NM_001368066.1, NM_001080114.2 and 2 more transcripts); c.893+53A>C (NM_001171610.2, NM_001171611.2).
Identifiers: ClinVar variation 675320 (VCV000675320.4), dbSNP rs111941601, ClinGen allele CA211181613.

ClinVar aggregate classification (germline): Benign. Review status: criteria provided, multiple submitters, no conflicts (2 of 4 stars). 3 submissions from 3 submitters: Benign (2). 1 of the submissions does not count toward it. Last evaluated 2018-06-19.

Conditions:
Dilated cardiomyopathy 1C (CMD1C). Also called: Cardiomyopathy, dilated, 1C, with or without LVNC; CARDIOMYOPATHY, DILATED, 1C, WITH OR WITHOUT LEFT VENTRICULAR NONCOMPACTION. Identifiers: Orphanet 154, Orphanet 54260, MedGen C1832244, MONDO:0011094, OMIM 601493.

Allele frequency attached by ClinVar (database versions not stated): 1000 Genomes Project 0.04393; TOPMed 0.05201; 1000 Genomes Project 30x 0.04403.
gnomAD v4.1: 58,967 of 1,533,356 alleles (3.8%); highest among the groups gnomAD compares: African/African-American, 9.2%; 1,333 homozygotes.

Submissions (3):

GeneDx
Classification: Benign. Last evaluated: 2018-06-19. Review status: criteria provided, single submitter. Criteria: GeneDx Variant Classification (06012015). Collection method: clinical testing. Allele origin: germline. Affected: yes.
Comment: This variant is considered likely benign or benign based on one or more of the following criteria: it is a conservative change, it occurs at a poorly conserved position in the protein, it is predicted to be benign by multiple in silico algorithms, and/or has population frequency not consistent with disease.

Breakthrough Genomics
Classification: Benign. Review status: criteria provided, single submitter. Criteria: ACMG Guidelines, 2015. Collection method: not provided. Allele origin: germline. Inheritance: Autosomal dominant inheritance. Affected: yes.

Cytogenetics- Mohapatra Lab, Banaras Hindu University
Classification: Uncertain significance for Dilated cardiomyopathy 1C. Last evaluated: 2015-01-30. Review status: no assertion criteria provided. Collection method: case-control. Allele origin: unknown. Affected: yes. Observed: 1 variant allele. Not counted in ClinVar's aggregate classification.